The following is an entry in ClinVar:

NM_000834.5(GRIN2B):c.3764G>C (p.Ser1255Thr)

Gene: GRIN2B (glutamate ionotropic receptor NMDA type subunit 2B; minus strand). Cytogenetic location: 12p13.1.
Variant type: single nucleotide variant.
Coding change: c.3764G>C on transcript NM_000834.5 (MANE Select); coding-DNA position 3764, G replaced by C.
Protein change: p.Ser1255Thr; replaces serine 1255 with threonine.
Molecular consequence: missense variant.
Genome position (GRCh38, 1-based): chr12:13,563,474, C>G on the plus strand (G>C on the coding strand, the complement: GRIN2B is on the minus strand). VCF-style: chr12-13563474-C-G. GRCh37 (hg19) VCF-style: chr12-13716408-C-G.
Other names: c.3764G>C (NM_000834.3); short protein forms S1255T.
Identifiers: ClinVar variation 1046597 (VCV001046597.11), dbSNP rs1948579945, ClinGen allele CA383987544.

ClinVar aggregate classification (germline): Uncertain significance. Review status: criteria provided, multiple submitters, no conflicts (2 of 4 stars). 3 submissions from 3 submitters: Uncertain significance (3). Last evaluated 2024-09-26.

Conditions:
Inborn genetic diseases. Identifiers: MedGen C0950123, MeSH D030342.
Developmental and epileptic encephalopathy, 27 (DEE27). Also called: GRIN2B-Related Neurodevelopmental Disorder; Epileptic encephalopathy, early infantile, 27. Identifiers: Orphanet 3451, MedGen C4015316, MONDO:0014505, OMIM 616139.
Intellectual developmental disorder, autosomal dominant 6, with or without seizures. Also called: Intellectual disability, autosomal dominant 6; GRIN2B-related developmental delay, intellectual disability and autism spectrum disorder. Identifiers: Orphanet 589547, MedGen C3151411, MONDO:0013509, OMIM 613970.

Allele frequency attached by ClinVar (database versions not stated): gnomAD exomes below 0.00001.
gnomAD v4.1: 1 of 1,614,210 alleles (0.000062%); highest among the groups gnomAD compares: Non-Finnish European, 0.000085%; no homozygotes.

Submissions (3):

Ambry Genetics
Classification: Uncertain significance for Inborn genetic diseases. Last evaluated: 2024-09-26. Review status: criteria provided, single submitter. Criteria: Ambry Variant Classification Scheme 2023. Collection method: clinical testing. Allele origin: germline.

GeneDx
Classification: Uncertain significance. Last evaluated: 2024-09-18. Review status: criteria provided, single submitter. Criteria: GeneDx Variant Classification Process June 2021. Collection method: clinical testing. Allele origin: germline. Affected: yes.
Comment: Not observed at significant frequency in large population cohorts (gnomAD); In silico analysis supports that this missense variant has a deleterious effect on protein structure/function; Has not been previously published as pathogenic or benign to our knowledge

Labcorp Genetics (formerly Invitae), Labcorp
Classification: Uncertain significance for Developmental and epileptic encephalopathy, 27; Intellectual developmental disorder, autosomal dominant 6, with or without seizures. Last evaluated: 2022-09-13. Review status: criteria provided, single submitter. Criteria: Invitae Variant Classification Sherloc (09022015). Collection method: clinical testing. Allele origin: germline.
Comment: ClinVar contains an entry for this variant (Variation ID: 1046597). In summary, the available evidence is currently insufficient to determine the role of this variant in disease. Therefore, it has been classified as a Variant of Uncertain Significance. Advanced modeling of protein sequence and biophysical properties (such as structural, functional, and spatial information, amino acid conservation, physicochemical variation, residue mobility, and thermodynamic stability) has been performed at Invitae for this missense variant, however the output from this modeling did not meet the statistical confidence thresholds required to predict the impact of this variant on GRIN2B protein function. This variant has not been reported in the literature in individuals affected with GRIN2B-related conditions. This variant is not present in population databases (gnomAD no frequency). This sequence change replaces serine, which is neutral and polar, with threonine, which is neutral and polar, at codon 1255 of the GRIN2B protein (p.Ser1255Thr).